The following is an entry in ClinVar:

NM_001143986.2(TLE6):c.1638G>A (p.Thr546=)

Gene: TLE6 (TLE family member 6, subcortical maternal complex member; plus strand). Cytogenetic location: 19p13.3.
Variant type: single nucleotide variant.
Coding change: c.1638G>A on transcript NM_001143986.2 (MANE Select); coding-DNA position 1638, G replaced by A.
Protein change: p.Thr546=; no amino-acid change (threonine 546 retained).
Molecular consequence: synonymous variant.
Genome position (GRCh38, 1-based): chr19:2,994,923, G>A. VCF-style: chr19-2994923-G-A. GRCh37 (hg19) VCF-style: chr19-2994921-G-A.
Other names: c.1269G>A, p.Thr423= (NM_024760.3).
Identifiers: ClinVar variation 3060029 (VCV003060029.2), dbSNP rs34551565, ClinGen allele CA9073249.
Genomic context (GRCh38, chr19:2,994,923, plus strand): 5'-CCCTACCCCAGCTCACTGCCCACTGCCCCCCCTCCAGGTGCCTGAGATGTCTCCAGTCAC[G>A]TGCTGTGACGTCTCTTCCAACAACCGCCTCGTTGTCACAGGCTCCGGGGAGCACGCCTCC-3'
Protein context (NP_001137458.1, residues 536-556): VFEVPEMSPV[Thr546=]CCDVSSNNRL

ClinVar aggregate classification (germline): Benign (0 of 4 stars; one submission).

Conditions:
TLE6-related disorder. Also called: TLE6-related condition.

Allele frequency attached by ClinVar (database versions not stated): ESP Exome Variant Server 0.24842; TOPMed 0.26269; ExAC 0.28063; 1000 Genomes Project 0.29073; 1000 Genomes Project 30x 0.29247.
gnomAD v4.1: 356,246 of 1,598,736 alleles (22%); highest among the groups gnomAD compares: East Asian, 36%; 41,755 homozygotes.

Submission:

PreventionGenetics, part of Exact Sciences
Classification: Benign for TLE6-related condition. Last evaluated: 2019-10-28. Review status: no assertion criteria provided. Collection method: clinical testing. Allele origin: germline.
Comment: This variant is classified as benign based on ACMG/AMP sequence variant interpretation guidelines (Richards et al. 2015 PMID: 25741868, with internal and published modifications).